The following is an entry in ClinVar:

ClinVar aggregate classification (germline): Uncertain significance. Review status: criteria provided, multiple submitters, no conflicts (2 of 4 stars). 3 submissions from 3 submitters: Uncertain significance (3). Last evaluated 2023-05-12.

Conditions:
Myopia 6 (MYP6). Identifiers: MedGen C1837148, MONDO:0012154, OMIM 608908.
Cardioencephalomyopathy, fatal infantile, due to cytochrome c oxidase deficiency 1 (MC4DN2). Also called: CYTOCHROME c OXIDASE DEFICIENCY, FATAL INFANTILE, WITH CARDIOENCEPHALOMYOPATHY; MITOCHONDRIAL COMPLEX IV DEFICIENCY, NUCLEAR TYPE 2. Identifiers: Orphanet 1561, MedGen C5399977, MONDO:0011451, OMIM 604377.

Allele frequency attached by ClinVar (database versions not stated): gnomAD 0.00003 and 0.00002; gnomAD exomes 0.00004 and 0.00001; TOPMed 0.00002; ExAC 0.00003.
gnomAD v4.1: 26 of 1,614,034 alleles (0.0016%); highest among the groups gnomAD compares: African/African-American, 0.0027%; no homozygotes.

Submissions (3):

Mayo Clinic Laboratories, Mayo Clinic
Classification: Uncertain significance. Last evaluated: 2023-05-12. Review status: criteria provided, single submitter. Criteria: ACMG Guidelines, 2015. Collection method: clinical testing. Allele origin: germline. Observed: 1 variant allele.
Comment: PM2

Labcorp Genetics (formerly Invitae), Labcorp
Classification: Uncertain significance. Last evaluated: 2022-07-19. Review status: criteria provided, single submitter. Criteria: Invitae Variant Classification Sherloc (09022015). Collection method: clinical testing. Allele origin: germline.
Comment: This sequence change replaces arginine, which is basic and polar, with cysteine, which is neutral and slightly polar, at codon 206 of the SCO2 protein (p.Arg206Cys). This variant is present in population databases (rs748770403, gnomAD 0.007%). This variant has not been reported in the literature in individuals affected with SCO2-related conditions. ClinVar contains an entry for this variant (Variation ID: 1353618). Algorithms developed to predict the effect of missense changes on protein structure and function are either unavailable or do not agree on the potential impact of this missense change (SIFT: "Deleterious"; PolyPhen-2: "Probably Damaging"; Align-GVGD: "Class C0"). In summary, the available evidence is currently insufficient to determine the role of this variant in disease. Therefore, it has been classified as a Variant of Uncertain Significance.

Fulgent Genetics
Classification: Uncertain significance for Cardioencephalomyopathy, fatal infantile, due to cytochrome c oxidase deficiency 1; Myopia 6. Last evaluated: 2021-10-18. Review status: criteria provided, single submitter. Criteria: ACMG Guidelines, 2015. Collection method: clinical testing. Allele origin: unknown.

NM_005138.3(SCO2):c.616C>T (p.Arg206Cys)

Genes: SCO2 (synthesis of cytochrome C oxidase 2; minus strand), NCAPH2 (non-SMC condensin II complex subunit H2; plus strand). Cytogenetic location: 22q13.33.
Variant type: single nucleotide variant.
Coding change: c.616C>T on transcript NM_005138.3 (MANE Select); coding-DNA position 616, C replaced by T.
Protein change: p.Arg206Cys; replaces arginine 206 with cysteine.
Molecular consequence: missense variant. On other transcripts: 3 prime UTR variant (2).
Genome position (GRCh38, 1-based): chr22:50,523,796, G>A on the plus strand (C>T on the coding strand, the complement: SCO2 is on the minus strand). VCF-style: chr22-50523796-G-A. GRCh37 (hg19) VCF-style: chr22-50962225-G-A.
Other names: p.Arg206Cys; c.616C>T (NM_005138.2); c.*421G>A (NM_001185011.2, NM_152299.4); c.616C>T, p.Arg206Cys (NM_001169109.2, NM_001169110.1, NM_001169111.2); short protein forms R206C.
Identifiers: ClinVar variation 1353618 (VCV001353618.7), dbSNP rs748770403, ClinGen allele CA10321158.